The following is an entry in ClinVar:

ClinVar aggregate classification (germline): Uncertain significance (1 of 4 stars; one submission).

Submission:

GeneDx
Classification: Uncertain significance. Last evaluated: 2019-12-05. Review status: criteria provided, single submitter. Criteria: GeneDx Variant Classification Process June 2021. Collection method: clinical testing. Allele origin: germline. Affected: yes.
Comment: Not observed in large population cohorts (Lek et al., 2016); In silico analysis, which includes protein predictors and evolutionary conservation, supports a deleterious effect; Has not been previously published as pathogenic or benign to our knowledge

NM_173495.3(PTCHD1):c.2309C>T (p.Pro770Leu)

Gene: PTCHD1 (patched domain containing 1; plus strand). Cytogenetic location: Xp22.11.
Variant type: single nucleotide variant.
Coding change: c.2309C>T on transcript NM_173495.3 (MANE Select); coding-DNA position 2309, C replaced by T.
Protein change: p.Pro770Leu; replaces proline 770 with leucine.
Molecular consequence: missense variant.
Genome position (GRCh38, 1-based): chrX:23,393,827, C>T. VCF-style: chrX-23393827-C-T. GRCh37 (hg19) VCF-style: chrX-23411944-C-T.
Other names: short protein forms P770L.
Identifiers: ClinVar variation 1309793 (VCV001309793.2), dbSNP rs2146652955, ClinGen allele CA412587903.
Genomic context (GRCh38, chrX:23,393,827, plus strand): 5'-ACTGCATTTCTGTGCTATGCTTAATTTATGGAATTAATTACACAATTGACAATTGTGCTC[C>T]AATGTTATCCACATTTGTTCTGGGCAAGGATTTCACAAGAACTAAATGGGTAAAAAATGC-3'
Protein context (NP_775766.2, residues 760-780): GINYTIDNCA[Pro770Leu]MLSTFVLGKD